The following is an entry in ClinVar:

ClinVar aggregate classification (germline): Likely pathogenic (1 of 4 stars; one submission).

Allele frequency attached by ClinVar (database versions not stated): gnomAD 0.00001; gnomAD exomes 0.00002; ExAC 0.00003; TOPMed 0.00003.
gnomAD v4.1: 37 of 1,613,392 alleles (0.0023%); highest among the groups gnomAD compares: Admixed American, 0.033%; no homozygotes.

Submission:

GeneDx
Classification: Likely pathogenic. Last evaluated: 2025-04-15. Review status: criteria provided, single submitter. Criteria: GeneDx Variant Classification Process June 2021. Collection method: clinical testing. Allele origin: germline.
Comment: Published functional studies suggest a damaging effect leading to a reduction in enzymatic activation (PMID: 37041084); In silico analysis supports that this missense variant has a deleterious effect on protein structure/function; This variant is associated with the following publications: (PMID: 12605812, Borodina2015[Abstract], 37856929, 36325651, 37041084)

NM_001002294.3(FMO3):c.151A>G (p.Arg51Gly)

Gene: FMO3 (flavin containing dimethylaniline monoxygenase 3; plus strand). Cytogenetic location: 1q24.3.
Variant type: single nucleotide variant.
Coding change: c.151A>G on transcript NM_001002294.3 (MANE Select); coding-DNA position 151, A replaced by G.
Protein change: p.Arg51Gly; replaces arginine 51 with glycine.
Molecular consequence: missense variant. On other transcripts: intron variant (1).
Genome position (GRCh38, 1-based): chr1:171,103,803, A>G. VCF-style: chr1-171103803-A-G. GRCh37 (hg19) VCF-style: chr1-171072944-A-G.
Other names: c.91A>G, p.Arg31Gly (NM_001319173.2); c.151A>G, p.Arg51Gly (NM_006894.6); c.133-3872A>G (NM_001319174.2); short protein forms R31G, R51G.
Identifiers: ClinVar variation 2662180 (VCV002662180.2), dbSNP rs765137570, ClinGen allele CA1240477.